The following is an entry in ClinVar:

ClinVar aggregate classification (germline): Uncertain significance (1 of 4 stars; one submission).

Submission:

Labcorp Genetics (formerly Invitae), Labcorp
Classification: Uncertain significance. Last evaluated: 2025-09-09. Review status: criteria provided, single submitter. Criteria: Invitae Variant Classification Sherloc (09022015). Collection method: clinical testing. Allele origin: germline.
Comment: This sequence change replaces glycine, which is neutral and non-polar, with arginine, which is basic and polar, at codon 583 of the TNFAIP3 protein (p.Gly583Arg). This variant is not present in population databases (gnomAD no frequency). This variant has not been reported in the literature in individuals affected with TNFAIP3-related conditions. Invitae Evidence Modeling of protein sequence and biophysical properties (such as structural, functional, and spatial information, amino acid conservation, physicochemical variation, residue mobility, and thermodynamic stability) indicates that this missense variant is not expected to disrupt TNFAIP3 protein function with a negative predictive value of 80%. This variant disrupts the p.Gly583 amino acid residue in TNFAIP3. Other variant(s) that disrupt this residue have been determined to be pathogenic (internal data). This suggests that this residue is clinically significant, and that variants that disrupt this residue are likely to be disease-causing. In summary, the available evidence is currently insufficient to determine the role of this variant in disease. Therefore, it has been classified as a Variant of Uncertain Significance.

NM_001270508.2(TNFAIP3):c.1747G>A (p.Gly583Arg)

Gene: TNFAIP3 (TNF alpha induced protein 3; plus strand). Cytogenetic location: 6q23.3.
Variant type: single nucleotide variant.
Coding change: c.1747G>A on transcript NM_001270508.2 (MANE Select); coding-DNA position 1747, G replaced by A.
Protein change: p.Gly583Arg; replaces glycine 583 with arginine.
Molecular consequence: missense variant.
Genome position (GRCh38, 1-based): chr6:137,879,192, G>A. VCF-style: chr6-137879192-G-A. GRCh37 (hg19) VCF-style: chr6-138200329-G-A.
Other names: c.1747G>A, p.Gly583Arg (NM_001270507.2, NM_006290.4); short protein forms G583R.
Identifiers: ClinVar variation 4742733 (VCV004742733.1).